The following is an entry in ClinVar:

ClinVar aggregate classification (germline): Uncertain significance (1 of 4 stars; one submission).

Conditions:
Familial thoracic aortic aneurysm and aortic dissection (TAAD). Also called: Thoracic aortic aneurysms and dissections. Identifiers: Orphanet 91387, MedGen C4707243, MONDO:0019625.

Submission:

Labcorp Genetics (formerly Invitae), Labcorp
Classification: Uncertain significance for Familial thoracic aortic aneurysm and aortic dissection. Last evaluated: 2024-11-05. Review status: criteria provided, single submitter. Criteria: Invitae Variant Classification Sherloc (09022015). Collection method: clinical testing. Allele origin: germline.
Comment: This sequence change replaces phenylalanine, which is neutral and non-polar, with leucine, which is neutral and non-polar, at codon 111 of the SMAD3 protein (p.Phe111Leu). This variant is not present in population databases (gnomAD no frequency). This missense change has been observed in individual(s) with thoracic aortic aneurysm and/or dissection (internal data). ClinVar contains an entry for this variant (Variation ID: 656592). Invitae Evidence Modeling incorporating data from in vitro experimental studies (internal data) indicates that this missense variant is expected to disrupt SMAD3 function with a positive predictive value of 95%. In summary, the available evidence is currently insufficient to determine the role of this variant in disease. Therefore, it has been classified as a Variant of Uncertain Significance.

NM_005902.4(SMAD3):c.331T>C (p.Phe111Leu)

Gene: SMAD3 (SMAD family member 3; plus strand). Cytogenetic location: 15q22.33.
Variant type: single nucleotide variant.
Coding change: c.331T>C on transcript NM_005902.4 (MANE Select); coding-DNA position 331, T replaced by C.
Protein change: p.Phe111Leu; replaces phenylalanine 111 with leucine.
Molecular consequence: missense variant.
Genome position (GRCh38, 1-based): chr15:67,165,019, T>C. VCF-style: chr15-67165019-T-C. GRCh37 (hg19) VCF-style: chr15-67457357-T-C.
Other names: c.16T>C, p.Phe6Leu (NM_001145102.2); c.199T>C, p.Phe67Leu (NM_001145103.2); short protein forms F67L, F6L, F111L.
Identifiers: ClinVar variation 656592 (VCV000656592.9), dbSNP rs1595941801, ClinGen allele CA392954052.